The following is an entry in ClinVar:

NM_133379.5(TTN):c.14945C>G (p.Ser4982Cys)

Genes: TTN (titin; minus strand), LOC126806432 (CDK7 strongly-dependent group 2 enhancer GRCh37_chr2:179611985-179613184; plus strand). Cytogenetic location: 2q31.2.
Variant type: single nucleotide variant.
Coding change: c.14945C>G on transcript NM_133379.5; coding-DNA position 14945, C replaced by G.
Protein change: p.Ser4982Cys; replaces serine 4982 with cysteine.
Molecular consequence: missense variant. On other transcripts: intron variant (6).
Genome position (GRCh38, 1-based): chr2:178,747,455, G>C on the plus strand (C>G on the coding strand, the complement: TTN is on the minus strand). VCF-style: chr2-178747455-G-C. GRCh37 (hg19) VCF-style: chr2-179612182-G-C.
Other names: c.10361-5534C>G (NM_001256850.1); c.14945C>G (NM_133379.4); c.10223-5534C>G (NM_003319.4); c.10799-5534C>G (NM_133437.4); c.10598-5534C>G (NM_133432.3); c.10360+5669C>G (NM_133378.4); c.11312-5534C>G (NM_001267550.2); short protein forms S4982C.
Identifiers: ClinVar variation 677497 (VCV000677497.3), dbSNP rs147768944, ClinGen allele CA2003189.
Genomic context (GRCh38, chr2:178,747,455, plus strand): 5'-GACTTTGGAGATTCAAAATATTCAACAGATGATGGTGGGGTATAAAACTGATCTAACTCA[G>C]ATATTTCTTCACTGGTTGTACTTCCCACACCAATGGAAATGTCAGACTCAGGAGAAAGTG-3'

ClinVar aggregate classification (germline): Likely benign. Review status: criteria provided, multiple submitters, no conflicts (2 of 4 stars). 3 submissions from 3 submitters: Likely benign (3). Last evaluated 2026-03-27.

Allele frequency attached by ClinVar (database versions not stated): ESP Exome Variant Server 0.00023; TOPMed 0.00025; 1000 Genomes Project 0.00060; gnomAD 0.00026; 1000 Genomes Project 30x 0.00078.

Submissions (3):

Molecular Diagnostic Laboratory for Inherited Cardiovascular Disease, Montreal Heart Institute
Classification: Likely benign. Last evaluated: 2026-03-27. Review status: criteria provided, single submitter. Criteria: ACMG Guidelines, 2015. Collection method: clinical testing. Allele origin: germline. Affected: no.
Comment: BS1;BP1

Women's Health and Genetics/Laboratory Corporation of America, LabCorp
Classification: Likely benign. Last evaluated: 2025-10-16. Review status: criteria provided, single submitter. Criteria: LabCorp Variant Classification Summary - May 2015. Collection method: clinical testing. Allele origin: germline.
Comment: Variant summary: TTN c.10360+5669C>G is located at a position not widely known to affect splicing. This variant corresponds to c.11312-5534C>G in NM_001267550. Several computational tools predict a significant impact on normal splicing: Three predict the variant creates a 5' donor site. However, these predictions have yet to be confirmed by functional studies. This variant is also annotated as c.14945C>G (p.Ser4982Cys) in NM_133379 and results in a non-conservative amino acid change in the encoded protein sequence. Algorithms developed to predict the effect of missense changes on protein structure and function are either unavailable or do not agree on the potential impact of this missense change. The variant allele was found at a frequency of 6.4e-05 in 250166 control chromosomes, predominantly at a frequency of 0.00092 within the African or African-American subpopulation in the gnomAD database. The observed variant frequency within African or African-American control individuals in the gnomAD database exceeds the estimated maximal expected allele frequency for disease-causing variants in TTN. To our knowledge, no occurrence of c.10360+5669C>G in individuals affected with TTN-related conditions and no experimental evidence demonstrating its impact on protein function have been reported. The following publication has been ascertained in the context of this evaluation (PMID: 27302369). ClinVar contains an entry for this variant (Variation ID: 677497). Based on the evidence outlined above, the variant was classified as likely benign.

GeneDx
Classification: Likely benign. Last evaluated: 2018-05-22. Review status: criteria provided, single submitter. Criteria: GeneDx Variant Classification (06012015). Collection method: clinical testing. Allele origin: germline. Affected: yes.
Comment: This variant is considered likely benign or benign based on one or more of the following criteria: it is a conservative change, it occurs at a poorly conserved position in the protein, it is predicted to be benign by multiple in silico algorithms, and/or has population frequency not consistent with disease.

Literature cited by the submitters: PubMed 27302369 (cited by Women's Health and Genetics/Laboratory Corporation of America, LabCorp).